The following is an entry in ClinVar:

ClinVar aggregate classification (germline): Pathogenic. Review status: criteria provided, single submitter (1 of 4 stars). 2 submissions from 2 submitters: Pathogenic (1). 1 of the submissions does not count toward it. Last evaluated 2026-05-29.

Conditions:
Nonsyndromic Oculocutaneous Albinism.
Oculocutaneous albinism type 1. Also called: Albinism 1; ALBINISM I. Identifiers: Orphanet 352731, MedGen C0268494, MONDO:0018135. Disease mechanism: loss of function.

Allele frequency attached by ClinVar (database versions not stated): gnomAD exomes below 0.00001; ExAC 0.00001.
gnomAD v4.1: 2 of 1,613,138 alleles (0.00012%); highest among the groups gnomAD compares: South Asian, 0.0022%; no homozygotes.

Submissions (2):

Myriad Genetics, Inc.
Classification: Pathogenic for Oculocutaneous albinism type 1. Last evaluated: 2026-05-29. Review status: criteria provided, single submitter. Criteria: Myriad Autosomal Dominant, Autosomal Recessive and X-Linked Classification Criteria (2023). Collection method: clinical testing. Allele origin: unknown.
Comment: NM_000372.4(TYR):c.1184+2T>C is a variant in a canonical splice site classified as pathogenic in the context of oculocutaneous albinism, TYR-related. c.1184+2T>C has been observed in cases with relevant disease (PMID: 25577957, 28266639). Relevant functional assessments of this variant are available in the literature (PMID: 28266639). c.1184+2T>C has been observed in referenced population frequency databases. In summary, NM_000372.4(TYR):c.1184+2T>C is a variant in a canonical splice site in a gene where loss of function is a known mechanism of disease, is predicted to disrupt protein function, and has been observed more frequently in cases with the relevant disease than in healthy populations. Please note: this variant was assessed in the context of healthy population screening.

University of Washington Center for Mendelian Genomics, University of Washington
Classification: Likely pathogenic for Nonsyndromic Oculocutaneous Albinism. Last evaluated: 2017-03-07. Review status: no assertion criteria provided. Collection method: research. Allele origin: unknown. Affected: yes. Observed: 1 homozygote. Not counted in ClinVar's aggregate classification.

Literature cited by the submitters: PubMed 25577957 (cited by Myriad Genetics, Inc.); PubMed 28266639 (cited by Myriad Genetics, Inc. and University of Washington Center for Mendelian Genomics, University of Washington).

NM_000372.5(TYR):c.1184+2T>C

Gene: TYR (tyrosinase; plus strand). Cytogenetic location: 11q14.3.
Variant type: single nucleotide variant.
Coding change: c.1184+2T>C on transcript NM_000372.5 (MANE Select); the canonical splice donor site of the intron after coding-DNA position 1184, T replaced by C.
Molecular consequence: splice donor variant.
Genome position (GRCh38, 1-based): chr11:89,227,972, T>C. VCF-style: chr11-89227972-T-C. GRCh37 (hg19) VCF-style: chr11-88961140-T-C.
Identifiers: ClinVar variation 617800 (VCV000617800.2), dbSNP rs758119014, ClinGen allele CA6221359.